The following is an entry in ClinVar:

ClinVar aggregate classification (germline): Uncertain significance (1 of 4 stars; one submission).

Submission:

Labcorp Genetics (formerly Invitae), Labcorp
Classification: Uncertain significance. Last evaluated: 2023-05-26. Review status: criteria provided, single submitter. Criteria: Invitae Variant Classification Sherloc (09022015). Collection method: clinical testing. Allele origin: germline.
Comment: In summary, the available evidence is currently insufficient to determine the role of this variant in disease. Therefore, it has been classified as a Variant of Uncertain Significance. An algorithm developed to predict the effect of missense changes on protein structure and function (PolyPhen-2) suggests that this variant is likely to be tolerated. This variant has not been reported in the literature in individuals affected with CACNA1D-related conditions. This variant is not present in population databases (gnomAD no frequency). This sequence change replaces serine, which is neutral and polar, with arginine, which is basic and polar, at codon 1952 of the CACNA1D protein (p.Ser1952Arg).

NM_001128840.3(CACNA1D):c.5794A>C (p.Ser1932Arg)

Gene: CACNA1D (calcium voltage-gated channel subunit alpha1 D; plus strand). Cytogenetic location: 3p21.1.
Variant type: single nucleotide variant.
Coding change: c.5794A>C on transcript NM_001128840.3 (MANE Select); coding-DNA position 5794, A replaced by C.
Protein change: p.Ser1932Arg; replaces serine 1932 with arginine.
Molecular consequence: missense variant.
Genome position (GRCh38, 1-based): chr3:53,808,693, A>C. VCF-style: chr3-53808693-A-C. GRCh37 (hg19) VCF-style: chr3-53842720-A-C.
Other names: c.5854A>C, p.Ser1952Arg (NM_000720.4); c.5722A>C, p.Ser1908Arg (NM_001128839.3); short protein forms S1952R, S1908R, S1932R.
Identifiers: ClinVar variation 3003434 (VCV003003434.3), dbSNP rs2474545225, ClinGen allele CA353255992.
Genomic context (GRCh38, chr3:53,808,693, plus strand): 5'-CCCTTTGCTTTCCCAGCCCACCGGAGATCCTCCTTCAACTTTGAGTGCCTGCGCCGGCAG[A>C]GCAGCCAGGAAGAGGTCCCGTCGTCTCCCATCTTCCCCCATCGCACGGCCCTGCCTCTGC-3'
Protein context (NP_001122312.1, residues 1922-1942): SFNFECLRRQ[Ser1932Arg]SQEEVPSSPI